The following is an entry in ClinVar:

NM_000548.5(TSC2):c.5259+10A>C

Gene: TSC2 (TSC complex subunit 2; plus strand). Cytogenetic location: 16p13.3.
Variant type: single nucleotide variant.
Coding change: c.5259+10A>C on transcript NM_000548.5 (MANE Select); 10 bases into the intron after coding-DNA position 5259, A replaced by C.
Molecular consequence: intron variant.
Genome position (GRCh38, 1-based): chr16:2,088,335, A>C. VCF-style: chr16-2088335-A-C. GRCh37 (hg19) VCF-style: chr16-2138336-A-C.
Other names: c.5190+10A>C (NM_001114382.3); c.5130+10A>C (NM_021055.3); c.5118+10A>C (NM_001370405.1); c.5061+10A>C (NM_001363528.2); c.5127+10A>C (NM_001370404.1); c.5058+10A>C (NM_001077183.3); c.4950+10A>C (NM_001318827.2); c.4527+10A>C (NM_001318831.2); and 2 more.
Identifiers: ClinVar variation 1142736 (VCV001142736.10), dbSNP rs200725584, ClinGen allele CA054613.

ClinVar aggregate classification (germline): Likely benign. Review status: criteria provided, multiple submitters, no conflicts (2 of 4 stars). 2 submissions from 2 submitters: Likely benign (2). Last evaluated 2026-01-20.

Conditions:
Tuberous sclerosis 2 (TSC2). Identifiers: Orphanet 805, MedGen C1860707, MONDO:0013199, OMIM 613254.

Allele frequency attached by ClinVar (database versions not stated): gnomAD exomes 0.00001 and 0.00002; ExAC 0.00003.
gnomAD v4.1: 6 of 1,612,528 alleles (0.00037%); highest among the groups gnomAD compares: Non-Finnish European, 0.00051%; no homozygotes.

Submissions (2):

Labcorp Genetics (formerly Invitae), Labcorp
Classification: Likely benign for Tuberous sclerosis 2. Last evaluated: 2026-01-20. Review status: criteria provided, single submitter. Criteria: Invitae Variant Classification Sherloc (09022015). Collection method: clinical testing. Allele origin: germline.

Myriad Genetics, Inc.
Classification: Likely benign for Tuberous sclerosis 2. Last evaluated: 2025-06-06. Review status: criteria provided, single submitter. Criteria: Myriad Autosomal Dominant, Autosomal Recessive and X-Linked Classification Criteria (2023). Collection method: clinical testing. Allele origin: unknown.
Comment: This variant is considered likely benign. This variant is intronic and is not expected to impact mRNA splicing.